The following is an entry in ClinVar:

NM_003036.4(SKI):c.272T>G (p.Phe91Cys)

Gene: SKI (SKI proto-oncogene; plus strand). Cytogenetic location: 1p36.33.
Variant type: single nucleotide variant.
Coding change: c.272T>G on transcript NM_003036.4 (MANE Select); coding-DNA position 272, T replaced by G.
Protein change: p.Phe91Cys; replaces phenylalanine 91 with cysteine.
Molecular consequence: missense variant.
Genome position (GRCh38, 1-based): chr1:2,229,038, T>G. VCF-style: chr1-2229038-T-G. GRCh37 (hg19) VCF-style: chr1-2160477-T-G.
Other names: short protein forms F91C.
Identifiers: ClinVar variation 2823298 (VCV002823298.3), dbSNP rs2527576832, ClinGen allele CA337952440.

ClinVar aggregate classification (germline): Uncertain significance (1 of 4 stars; one submission).

Conditions:
Shprintzen-Goldberg syndrome (SGS). Also called: Marfanoid disorder with craniosynostosis type 1; Marfanoid craniosynostosis syndrome; Shprintzen-Goldberg marfanoid syndrome; SHPRINTZEN-GOLDBERG CRANIOSYNOSTOSIS SYNDROME; CRANIOSYNOSTOSIS WITH ARACHNODACTYLY AND ABDOMINAL HERNIAS. Identifiers: Orphanet 2462, MedGen C1321551, MONDO:0008426, OMIM 182212.

Submission:

Labcorp Genetics (formerly Invitae), Labcorp
Classification: Uncertain significance for Shprintzen-Goldberg syndrome. Last evaluated: 2022-12-22. Review status: criteria provided, single submitter. Criteria: Invitae Variant Classification Sherloc (09022015). Collection method: clinical testing. Allele origin: germline.
Comment: This sequence change replaces phenylalanine, which is neutral and non-polar, with cysteine, which is neutral and slightly polar, at codon 91 of the SKI protein (p.Phe91Cys). This variant is not present in population databases (gnomAD no frequency). This variant has not been reported in the literature in individuals affected with SKI-related conditions. Advanced modeling of protein sequence and biophysical properties (such as structural, functional, and spatial information, amino acid conservation, physicochemical variation, residue mobility, and thermodynamic stability) performed at Invitae indicates that this missense variant is expected to disrupt SKI protein function. In summary, the available evidence is currently insufficient to determine the role of this variant in disease. Therefore, it has been classified as a Variant of Uncertain Significance.